The following is an entry in ClinVar:

NM_000520.6(HEXA):c.1216C>T (p.Leu406=)

Gene: HEXA (hexosaminidase subunit alpha; minus strand). Cytogenetic location: 15q23.
Variant type: single nucleotide variant.
Coding change: c.1216C>T on transcript NM_000520.6 (MANE Select); coding-DNA position 1216, C replaced by T.
Protein change: p.Leu406=; no amino-acid change (leucine 406 retained).
Molecular consequence: synonymous variant.
Genome position (GRCh38, 1-based): chr15:72,346,641, G>A on the plus strand (C>T on the coding strand, the complement: HEXA is on the minus strand). VCF-style: chr15-72346641-G-A. GRCh37 (hg19) VCF-style: chr15-72638982-G-A.
Other names: c.1249C>T, p.Leu417= (NM_001318825.2); c.1216C>T (NM_000520.5).
Identifiers: ClinVar variation 317042 (VCV000317042.37), dbSNP rs140482769, ClinGen allele CA7644756.
Genomic context (GRCh38, chr15:72,346,641, plus strand): 5'-ATATACGGTTCAGGTACCAGGGGGCAGAGAGAAGGGCCCGGAAGCCGGCCTTGGTGACCA[G>A]TTCCAGCTCCTTCATATAGTTCACTGGAATATCCTCTCGCCACACCTGTATGATTGTGTC-3'
Protein context (NP_000511.2, residues 396-416): IPVNYMKELE[Leu406=]VTKAGFRALL

ClinVar aggregate classification (germline): Likely benign. Review status: criteria provided, multiple submitters, no conflicts (2 of 4 stars). 5 submissions from 5 submitters: Likely benign (4). 1 of the submissions does not count toward it. Last evaluated 2026-01-24.

Conditions:
HEXA-related disorder. Also called: HEXA-related condition.
Inborn genetic diseases. Identifiers: MedGen C0950123, MeSH D030342.
Tay-Sachs disease (TSD). Also called: HEXA DEFICIENCY; HEXA Disorders; Hexosaminidase A Deficiency; GM2 gangliosidosis, type 1; Hexosaminidase alpha-subunit deficiency (variant B); Sphingolipidosis, Tay-Sachs. Identifiers: Orphanet 845, MedGen C0039373, MONDO:0010100, OMIM 272800.

Allele frequency attached by ClinVar (database versions not stated): ESP Exome Variant Server 0.00008; TOPMed 0.00013; ExAC 0.00014; gnomAD exomes 0.00016 and 0.00029; gnomAD 0.00017 and 0.00019.

Submissions (5):

Labcorp Genetics (formerly Invitae), Labcorp
Classification: Likely benign for Tay-Sachs disease. Last evaluated: 2026-01-24. Review status: criteria provided, single submitter. Criteria: Invitae Variant Classification Sherloc (09022015). Collection method: clinical testing. Allele origin: germline.

PreventionGenetics, part of Exact Sciences
Classification: Likely benign for HEXA-related condition. Last evaluated: 2025-08-05. Review status: criteria provided, single submitter. Criteria: ACMG Guidelines, 2015. Collection method: clinical testing. Allele origin: germline.
Comment: This variant is classified as likely benign based on ACMG/AMP sequence variant interpretation guidelines (Richards et al. 2015 PMID: 25741868, with internal and published modifications).

CeGaT Center for Human Genetics Tuebingen
Classification: Likely benign. Last evaluated: 2024-04-01. Review status: criteria provided, single submitter. Criteria: CeGaT Center For Human Genetics Tuebingen Variant Classification Criteria Version 2. Collection method: clinical testing. Allele origin: germline. Affected: yes. Observed: 1 variant allele.
Comment: HEXA: BP4, BP7

Ambry Genetics
Classification: Likely benign for Inborn genetic diseases. Last evaluated: 2023-02-05. Review status: criteria provided, single submitter. Criteria: Ambry Variant Classification Scheme 2023. Collection method: clinical testing. Allele origin: germline.

Natera, Inc.
Classification: Likely benign for Tay-Sachs disease. Last evaluated: 2020-09-16. Review status: no assertion criteria provided. Collection method: clinical testing. Allele origin: germline. Not counted in ClinVar's aggregate classification.